The following is an entry in ClinVar:

ClinVar aggregate classification (germline): Pathogenic. Review status: criteria provided, multiple submitters, no conflicts (2 of 4 stars). 5 submissions from 5 submitters: Pathogenic (4). 1 of the submissions does not count toward it. Last evaluated 2026-02-03.

Conditions:
Aortic valve disease 1 (AOVD1). Identifiers: MedGen C3887892, MONDO:0024523, OMIM 109730.
KA-like vemurafenib-induced squamous lesions.
NOTCH1-related disorder. Also called: NOTCH1-related disorders; NOTCH1-related condition.
Inborn genetic diseases. Identifiers: MedGen C0950123, MeSH D030342.

Submissions (5):

GeneDx
Classification: Pathogenic. Last evaluated: 2026-02-03. Review status: criteria provided, single submitter. Criteria: GeneDx Variant Classification Process June 2021. Collection method: clinical testing. Allele origin: germline.
Comment: Identified in patients with aortic valve anomalies and aortic dilation and/or aneurysm referred for genetic testing at GeneDx and in published literature (PMID: 26820064); Nonsense variant predicted to result in protein truncation or nonsense mediated decay in a gene for which loss of function is a known mechanism of disease; Not observed at significant frequency in large population cohorts (gnomAD); This variant is associated with the following publications: (PMID: 26820064, 27283355, 37839360)

Daryl Scott Lab, Baylor College of Medicine
Classification: Pathogenic for NOTCH1-related disorder. Last evaluated: 2024-04-01. Review status: criteria provided, single submitter. Criteria: ACMG Guidelines, 2015. Collection method: clinical testing. Allele origin: unknown. Affected: yes. Observed: 1 heterozygote.
Comment: PVS1, PM2

Center for Human Genetics and Genomic Medicine, Uniklinik Rwth Aachen
Classification: Pathogenic for Aortic valve disease 1. Last evaluated: 2023-11-14. Review status: criteria provided, single submitter. Criteria: ACMG Guidelines, 2015. Collection method: clinical testing. Allele origin: unknown. Affected: yes. Observed: 1 heterozygote.
Comment: The variant is not present in the general population (gnomAD). It is not listed in the dbSNP151 database. The variant has been reported twice as pathogenic in the ClinVar database (Variation ID 520784), but without a phenotypic description or in a different clinical context. In the literature, the variant has already been reported in a patient with aortic valve stenosis and a thoracic aortic aneurysm.

Ambry Genetics
Classification: Pathogenic for Inborn genetic diseases. Last evaluated: 2015-09-22. Review status: criteria provided, single submitter. Criteria: Ambry exome assertion method (8-5-2015). Collection method: clinical testing. Allele origin: germline. Affected: yes. Observed: 1 variant allele.

Yale Center for Mendelian Genomics, Yale University
Classification: Pathogenic for KA-like vemurafenib-induced squamous lesions. Last evaluated: 2016-06-07. Review status: no assertion criteria provided. Collection method: literature only. Allele origin: somatic. Affected: yes. Observed: 1 heterozygote. Study: Yale Center for Mendelian Genomics. Not counted in ClinVar's aggregate classification.

Literature cited by the submitters: PubMed 26820064 (cited by Center for Human Genetics and Genomic Medicine, Uniklinik Rwth Aachen); PubMed 27283355 (cited by Yale Center for Mendelian Genomics, Yale University).

NM_017617.5(NOTCH1):c.5950C>T (p.Arg1984Ter)

Genes: NOTCH1 (notch receptor 1; minus strand), LOC126860794 (BRD4-independent group 4 enhancer GRCh37_chr9:139392592-139393791; plus strand). Cytogenetic location: 9q34.3.
Variant type: single nucleotide variant.
Coding change: c.5950C>T on transcript NM_017617.5 (MANE Select); coding-DNA position 5950, C replaced by T.
Protein change: p.Arg1984Ter; replaces arginine 1984 with a stop codon.
Molecular consequence: nonsense.
Genome position (GRCh38, 1-based): chr9:136,499,244, G>A on the plus strand (C>T on the coding strand, the complement: NOTCH1 is on the minus strand). VCF-style: chr9-136499244-G-A. GRCh37 (hg19) VCF-style: chr9-139393696-G-A.
Other names: c.5950C>T, p.Arg1984Ter (LRG_1122t1); short protein forms R1984*.
Identifiers: ClinVar variation 520784 (VCV000520784.9), dbSNP rs1554826746, ClinGen allele CA375634921.